The following is an entry in ClinVar:

NM_022367.4(SEMA4A):c.1042C>T (p.Arg348Cys)

Gene: SEMA4A (semaphorin 4A; plus strand). Cytogenetic location: 1q22.
Variant type: single nucleotide variant.
Coding change: c.1042C>T on transcript NM_022367.4 (MANE Select); coding-DNA position 1042, C replaced by T.
Protein change: p.Arg348Cys; replaces arginine 348 with cysteine.
Molecular consequence: missense variant.
Genome position (GRCh38, 1-based): chr1:156,163,002, C>T. VCF-style: chr1-156163002-C-T. GRCh37 (hg19) VCF-style: chr1-156132793-C-T.
Other names: c.1042C>T, p.Arg348Cys (NM_001193300.2, NM_001193301.2, NM_001370567.1); c.646C>T, p.Arg216Cys (NM_001193302.2); c.745C>T, p.Arg249Cys (NM_001370568.1); c.535C>T, p.Arg179Cys (NM_001370569.1, NM_001370571.1); short protein forms R179C, R216C, R348C, R249C.
Identifiers: ClinVar variation 1914255 (VCV001914255.5), dbSNP rs777217597, ClinGen allele CA1155254.

ClinVar aggregate classification (germline): Uncertain significance (1 of 4 stars; one submission).

Allele frequency attached by ClinVar (database versions not stated): ExAC 0.00002.
gnomAD v4.1: 15 of 1,614,166 alleles (0.00093%); highest among the groups gnomAD compares: Admixed American, 0.005%; no homozygotes.

Submission:

Labcorp Genetics (formerly Invitae), Labcorp
Classification: Uncertain significance. Last evaluated: 2025-04-14. Review status: criteria provided, single submitter. Criteria: Invitae Variant Classification Sherloc (09022015). Collection method: clinical testing. Allele origin: germline.
Comment: This sequence change replaces arginine, which is basic and polar, with cysteine, which is neutral and slightly polar, at codon 348 of the SEMA4A protein (p.Arg348Cys). This variant is present in population databases (rs777217597, gnomAD 0.009%). This variant has not been reported in the literature in individuals affected with SEMA4A-related conditions. ClinVar contains an entry for this variant (Variation ID: 1914255). Invitae Evidence Modeling of protein sequence and biophysical properties (such as structural, functional, and spatial information, amino acid conservation, physicochemical variation, residue mobility, and thermodynamic stability) indicates that this missense variant is expected to disrupt SEMA4A protein function with a positive predictive value of 80%. Algorithms developed to predict the effect of sequence changes on RNA splicing suggest that this variant may disrupt the consensus splice site. In summary, the available evidence is currently insufficient to determine the role of this variant in disease. Therefore, it has been classified as a Variant of Uncertain Significance.